The following is an entry in ClinVar:

ClinVar aggregate classification (germline): Uncertain significance (1 of 4 stars; one submission).

Submission:

GeneDx
Classification: Uncertain significance. Last evaluated: 2024-04-10. Review status: criteria provided, single submitter. Criteria: GeneDx Variant Classification Process June 2021. Collection method: clinical testing. Allele origin: germline. Affected: yes.
Comment: Not observed at significant frequency in large population cohorts (gnomAD); In silico analysis supports that this missense variant has a deleterious effect on protein structure/function; Has not been previously published as pathogenic or benign to our knowledge

NM_139058.3(ARX):c.1670C>A (p.Thr557Lys)

Gene: ARX (aristaless related homeobox; minus strand). Cytogenetic location: Xp21.3.
Variant type: single nucleotide variant.
Coding change: c.1670C>A on transcript NM_139058.3 (MANE Select); coding-DNA position 1670, C replaced by A.
Protein change: p.Thr557Lys; replaces threonine 557 with lysine.
Molecular consequence: missense variant.
Genome position (GRCh38, 1-based): chrX:25,004,689, G>T on the plus strand (C>A on the coding strand, the complement: ARX is on the minus strand). VCF-style: chrX-25004689-G-T. GRCh37 (hg19) VCF-style: chrX-25022806-G-T.
Other names: short protein forms T557K.
Identifiers: ClinVar variation 3372223 (VCV003372223.1).